The following is an entry in ClinVar:

NM_152384.3(BBS5):c.944_960del (p.Val315fs)

Gene: BBS5 (Bardet-Biedl syndrome 5; plus strand). Cytogenetic location: 2q31.1.
Variant type: Deletion.
Coding change: c.944_960del on transcript NM_152384.3 (MANE Select); coding-DNA positions 944 to 960, 17 bases deleted (TATTTTCAGAAGAACTG).
Protein change: p.Val315fs; shifts the reading frame from valine 315.
Molecular consequence: frameshift variant.
Genome position (GRCh38, 1-based): chr2:169,504,500-169,504,516, TATTTTCAGAAGAACTG deleted; deleting any 17 consecutive bases within chr2:169,504,497-169,504,516 gives the same sequence; the c. name uses the placement nearest the transcript's 3' end. VCF-style (leftmost placement, unchanged base first): chr2-169504496-CCTGTATTTTCAGAAGAA-C. GRCh37 (hg19) VCF-style: chr2-170361006-CCTGTATTTTCAGAAGAA-C.
Other names: c.944_960del17 (NM_152384.2); short protein forms V315fs.
Identifiers: ClinVar variation 2191954 (VCV002191954.6), dbSNP rs1285925896, ClinGen allele CA537570655.

ClinVar aggregate classification (germline): Pathogenic/Likely pathogenic. Review status: criteria provided, multiple submitters, no conflicts (2 of 4 stars). 3 submissions from 3 submitters: Pathogenic (1); Likely pathogenic (2). Last evaluated 2025-04-23.

Conditions:
Bardet-Biedl syndrome (BBS). Identifiers: Orphanet 110, MedGen C0752166, MONDO:0015229.
BBS5-related disorder. Also called: BBS5-related condition.
Bardet-Biedl syndrome 5 (BBS5). Identifiers: Orphanet 110, MedGen C3892039, MONDO:0014434, OMIM 615983.

Submissions (3):

PreventionGenetics, part of Exact Sciences
Classification: Likely pathogenic for BBS5-related condition. Last evaluated: 2025-04-23. Review status: criteria provided, single submitter. Criteria: ACMG Guidelines, 2015. Collection method: clinical testing. Allele origin: germline.
Comment: The BBS5 c.944_960del17 variant is predicted to result in a frameshift and premature protein termination (p.Val315Glyfs*59). To our knowledge, this variant has not been reported in any individuals with Bardet-Biedl syndrome (BBS). This variant is located within the last exon of the BBS5 bene and is not expected to lead to nonsense-mediated mRNA decay. It is, however, predicted to lead to a frameshift that disrupts the terminal 27 amino acids of the BBS5 protein and extends the protein by over 30 amino acids beyond the canonical stop codon. A similar protein extension variant (c.966dup, p.Ala323Cysfs*57) was reported in the homozygous state in three siblings with BBS, and experimental studies supported the c.966dup variant having a deleterious effect on protein function (Al-Hamed et al. 2014. PubMed ID: 24559376). This variant is reported in 0.0029% of alleles in individuals of Latino descent in gnomAD. Frameshift variants in BBS5 are expected to be pathogenic. This variant is interpreted as likely pathogenic.

Fulgent Genetics
Classification: Likely pathogenic for Bardet-Biedl syndrome 5. Last evaluated: 2024-03-18. Review status: criteria provided, single submitter. Criteria: ACMG Guidelines, 2015. Collection method: clinical testing. Allele origin: germline.

Labcorp Genetics (formerly Invitae), Labcorp
Classification: Pathogenic for Bardet-Biedl syndrome. Last evaluated: 2023-03-12. Review status: criteria provided, single submitter. Criteria: Invitae Variant Classification Sherloc (09022015). Collection method: clinical testing. Allele origin: germline.
Comment: This variant is present in population databases (no rsID available, gnomAD 0.003%). This sequence change results in a frameshift in the BBS5 gene (p.Val315Glyfs*59). While this is not anticipated to result in nonsense mediated decay, it is expected to disrupt the last 27 amino acid(s) of the BBS5 protein and extend the protein by 31 additional amino acid residues. This variant has not been reported in the literature in individuals affected with BBS5-related conditions. For these reasons, this variant has been classified as Pathogenic. This variant results in an extension of the BBS5 protein. Other variant(s) that result in a similarly extended protein product (p.Ala323Cysfs*57) have been determined to be pathogenic (PMID: 24559376). This suggests that these extensions are likely to be disease-causing. ClinVar contains an entry for this variant (Variation ID: 2191954).

Literature cited by the submitters: PubMed 24559376 (cited by Labcorp Genetics (formerly Invitae), Labcorp).